The following is an entry in ClinVar:

NM_004715.5(CTDP1):c.1987C>T (p.Leu663=)

Gene: CTDP1 (CTD phosphatase 1; plus strand). Cytogenetic location: 18q23.
Variant type: single nucleotide variant.
Coding change: c.1987C>T on transcript NM_004715.5 (MANE Select); coding-DNA position 1987, C replaced by T.
Protein change: p.Leu663=; no amino-acid change (leucine 663 retained).
Molecular consequence: synonymous variant.
Genome position (GRCh38, 1-based): chr18:79,715,447, C>T. VCF-style: chr18-79715447-C-T. GRCh37 (hg19) VCF-style: chr18-77475447-C-T.
Other names: p.Leu663=; c.1630C>T, p.Leu544= (NM_001202504.1); c.1987C>T, p.Leu663= (NM_001318511.2, NM_048368.4).
Identifiers: ClinVar variation 3044689 (VCV003044689.8), dbSNP rs137986892, ClinGen allele CA9010422.

ClinVar aggregate classification (germline): Likely benign. Review status: criteria provided, multiple submitters, no conflicts (2 of 4 stars). 4 submissions from 4 submitters: Likely benign (3). 1 of the submissions does not count toward it. Last evaluated 2026-03-01.

Conditions:
CTDP1-related disorder. Also called: CTDP1-related condition.

Allele frequency attached by ClinVar (database versions not stated): gnomAD exomes 0.00004; ExAC 0.00026; 1000 Genomes Project 0.00060; 1000 Genomes Project 30x 0.00062; gnomAD 0.00064; TOPMed 0.00067; ESP Exome Variant Server 0.00069.

Submissions (4):

CeGaT Center for Human Genetics Tuebingen
Classification: Likely benign. Last evaluated: 2026-03-01. Review status: criteria provided, single submitter. Criteria: CeGaT Center For Human Genetics Tuebingen Variant Classification Criteria Version 2. Collection method: clinical testing. Allele origin: germline. Affected: yes. Observed: 1 variant allele.
Comment: CTDP1: BP4, BP7

Mayo Clinic Laboratories, Mayo Clinic
Classification: Likely benign. Last evaluated: 2025-07-29. Review status: criteria provided, single submitter. Criteria: ACMG Guidelines, 2015. Collection method: clinical testing. Allele origin: germline. Observed: 1 variant allele.
Comment: BP4, BP7

Blueprint Genetics
Classification: Likely benign. Last evaluated: 2023-10-04. Review status: criteria provided, single submitter. Criteria: ACMG Guidelines, 2015. Collection method: clinical testing. Allele origin: germline.

PreventionGenetics, part of Exact Sciences
Classification: Likely benign for CTDP1-related condition. Last evaluated: 2019-06-12. Review status: no assertion criteria provided. Collection method: clinical testing. Allele origin: germline. Not counted in ClinVar's aggregate classification.
Comment: This variant is classified as likely benign based on ACMG/AMP sequence variant interpretation guidelines (Richards et al. 2015 PMID: 25741868, with internal and published modifications).